The following is an entry in ClinVar:

NM_001148.6(ANK2):c.5445del (p.Glu1816fs)

Genes: ANK2 (ankyrin 2; plus strand), LOC126807136 (MED14-independent group 3 enhancer GRCh37_chr4:114274931-114276130; plus strand). Cytogenetic location: 4q26.
Variant type: Deletion.
Coding change: c.5445del on transcript NM_001148.6 (MANE Select); coding-DNA position 5445, one base deleted (A; older notation c.5445delA).
Protein change: p.Glu1816fs; shifts the reading frame from glutamic acid 1816.
Molecular consequence: frameshift variant. On other transcripts: intron variant (68).
Genome position (GRCh38, 1-based): chr4:113,354,063, A deleted. VCF-style (leftmost placement, unchanged base first): chr4-113354062-CA-C. GRCh37 (hg19) VCF-style: chr4-114275218-CA-C.
Other names: c.5211del, p.Glu1738fs (NM_001386142.1); c.1845del, p.Glu616fs (NM_001386166.1); c.5586del, p.Glu1863fs (NM_001386174.1); c.5562del, p.Glu1855fs (NM_001386175.1); c.4411+3814del (NM_001386186.2, NM_001386148.2); c.4213+3814del (NM_001354269.3); c.4291+3814del (NM_001386187.2); c.4252+3814del (NM_001386147.1); and 35 more; short protein forms E616fs, E1855fs, E1738fs, E1816fs, E1863fs.
Identifiers: ClinVar variation 4837009 (VCV004837009.1).
Genomic context (GRCh38, chr4:113,354,062, plus strand): 5'-AGGACGTGCCAAAAAAGACCACCCACAGGCCACATCCAGCTGCGTCACCCTCTCTGAAGT[CA>C]GAGAGACATGCGCCAGGGTCTCCCTCCCCTAAAACAGAAAGACACTCTACTCTTTCCTCT-3'

ClinVar aggregate classification (germline): Pathogenic (1 of 4 stars; one submission).

Conditions:
Cardiovascular phenotype. Identifiers: MedGen CN230736.

Submission:

Ambry Genetics
Classification: Pathogenic for Cardiovascular phenotype. Last evaluated: 2026-01-12. Review status: criteria provided, single submitter. Criteria: Ambry Variant Classification Scheme 2023. Collection method: clinical testing. Allele origin: germline.
Comment: The c.5445delA (p.E1816Rfs*178) alteration, located in exon 38 (coding exon 38) of the ANK2 gene, consists of a deletion of one nucleotide at position 5445, causing a translational frameshift with a predicted alternate stop codon after 178 amino acids. This alteration is expected to result in loss of function by premature protein truncation or nonsense-mediated mRNA decay. This variant was not reported in population-based cohorts in the Genome Aggregation Database (gnomAD). Based on the available evidence, this alteration is classified as pathogenic.